The following is an entry in ClinVar:

ClinVar aggregate classification (germline): Likely benign (1 of 4 stars; one submission).

gnomAD v4.1: 1,604 of 1,526,314 alleles (0.11%); highest among the groups gnomAD compares: African/African-American, 0.86%; 10 homozygotes.

Submission:

CeGaT Center for Human Genetics Tuebingen
Classification: Likely benign. Last evaluated: 2025-07-01. Review status: criteria provided, single submitter. Criteria: CeGaT Center For Human Genetics Tuebingen Variant Classification Criteria Version 2. Collection method: clinical testing. Allele origin: germline. Affected: yes. Observed: 1 variant allele.
Comment: IQCN: BP4, BS1

NM_001145304.2(IQCN):c.29C>T (p.Ser10Phe)

Gene: IQCN (IQ motif containing N; minus strand). Cytogenetic location: 19p13.11.
Variant type: single nucleotide variant.
Coding change: c.29C>T on transcript NM_001145304.2 (MANE Select); coding-DNA position 29, C replaced by T.
Protein change: p.Ser10Phe; replaces serine 10 with phenylalanine.
Molecular consequence: missense variant. On other transcripts: 5 prime UTR variant (1).
Genome position (GRCh38, 1-based): chr19:18,267,511, G>A on the plus strand (C>T on the coding strand, the complement: IQCN is on the minus strand). VCF-style: chr19-18267511-G-A. GRCh37 (hg19) VCF-style: chr19-18378321-G-A.
Other names: c.-110C>T (NM_001145305.2); c.29C>T, p.Ser10Phe (NM_025249.4); short protein forms S10F.
Identifiers: ClinVar variation 4083987 (VCV004083987.8).
Genomic context (GRCh38, chr19:18,267,511, plus strand): 5'-TGGGTGACAACTGGCTCGTGAACTGTAGCTAGGCGGCCGGCTGCATTGCCTTGATTACCG[G>A]ACAGGTCAGCTCTGCCTGTGGGGGCGGCAGGGGGTGGTCAGGGTGTAGCAGGTCCTGCAA-3'
Protein context (NP_001138776.1, residues 1-20): MTLQGRADL[Ser10Phe]GNQGNAAGRL